The following is an entry in ClinVar:

NM_000465.4(BARD1):c.2203C>A (p.Gln735Lys)

Gene: BARD1 (BRCA1 associated RING domain 1; minus strand). Cytogenetic location: 2q35.
Variant type: single nucleotide variant.
Coding change: c.2203C>A on transcript NM_000465.4 (MANE Select); coding-DNA position 2203, C replaced by A.
Protein change: p.Gln735Lys; replaces glutamine 735 with lysine.
Molecular consequence: missense variant. On other transcripts: non-coding transcript variant (3).
Genome position (GRCh38, 1-based): chr2:214,728,807, G>T on the plus strand (C>A on the coding strand, the complement: BARD1 is on the minus strand). VCF-style: chr2-214728807-G-T. GRCh37 (hg19) VCF-style: chr2-215593531-G-T.
Other names: c.2146C>A, p.Gln716Lys (NM_001282543.2); c.850C>A, p.Gln284Lys (NM_001282545.2); c.793C>A, p.Gln265Lys (NM_001282548.2); c.664C>A, p.Gln222Lys (NM_001282549.2); short protein forms Q735K, Q222K, Q284K, Q265K, Q716K.
Identifiers: ClinVar variation 490959 (VCV000490959.6), dbSNP rs767395666, ClinGen allele CA350450238.

ClinVar aggregate classification (germline): Uncertain significance (1 of 4 stars; one submission).

Conditions:
Hereditary cancer-predisposing syndrome. Also called: Hereditary Cancer Syndrome; Neoplastic Syndromes, Hereditary; Tumor predisposition; Hereditary neoplastic syndrome. Identifiers: Orphanet 140162, MedGen C0027672, MeSH D009386, MONDO:0015356.

Submission:

Color Diagnostics, LLC DBA Color Health
Classification: Uncertain significance for Hereditary cancer-predisposing syndrome. Last evaluated: 2023-12-05. Review status: criteria provided, single submitter. Criteria: ACMG Guidelines, 2015. Collection method: clinical testing. Allele origin: germline.
Comment: This missense variant replaces glutamine with lysine at codon 735 of the BARD1 protein. Computational prediction suggests that this variant may not impact protein structure and function (internally defined REVEL score threshold <= 0.5, PMID: 27666373). To our knowledge, functional studies have not been reported for this variant. This variant has not been reported in individuals affected with BARD1-related disorders in the literature. This variant has not been identified in the general population by the Genome Aggregation Database (gnomAD). The available evidence is insufficient to determine the role of this variant in disease conclusively. Therefore, this variant is classified as a Variant of Uncertain Significance.